The following is an entry in ClinVar:

NM_001085458.2(CTNND1):c.1186C>G (p.Arg396Gly)

Genes: CTNND1 (catenin delta 1; plus strand), TMX2-CTNND1 (TMX2-CTNND1 readthrough (NMD candidate); plus strand). Cytogenetic location: 11q12.1.
Variant type: single nucleotide variant.
Coding change: c.1186C>G on transcript NM_001085458.2 (MANE Select); coding-DNA position 1186, C replaced by G.
Protein change: p.Arg396Gly; replaces arginine 396 with glycine.
Molecular consequence: missense variant. On other transcripts: non-coding transcript variant (1).
Genome position (GRCh38, 1-based): chr11:57,801,962, C>G. VCF-style: chr11-57801962-C-G. GRCh37 (hg19) VCF-style: chr11-57569434-C-G.
Other names: c.1186C>G, p.Arg396Gly (NM_001085459.2, NM_001085460.2, NM_001085461.2 and 3 more transcripts); c.883C>G, p.Arg295Gly (NM_001085463.2, NM_001085464.2, NM_001085465.2 and 5 more transcripts); c.1024C>G, p.Arg342Gly (NM_001206883.2, NM_001206884.2, NM_001206886.2 and 4 more transcripts); short protein forms R295G, R396G, R342G.
Identifiers: ClinVar variation 1031069 (VCV001031069.1), dbSNP rs533993840, ClinGen allele CA380725900.

ClinVar aggregate classification (germline): Uncertain significance (1 of 4 stars; one submission).

Conditions:
Blepharocheilodontic syndrome 2 (BCDS2). Identifiers: MedGen C4540127, MONDO:0040503, OMIM 617681.

Submission:

Baylor Genetics
Classification: Uncertain significance for Blepharocheilodontic syndrome 2. Last evaluated: 2019-07-25. Review status: criteria provided, single submitter. Criteria: ACMG Guidelines, 2015. Collection method: clinical testing. Allele origin: unknown. Affected: yes.
Comment: This variant was determined to be of uncertain significance according to ACMG Guidelines, 2015 [PMID:25741868].